The following is an entry in ClinVar:

NM_020937.4(FANCM):c.77G>A (p.Ser26Asn)

Genes: FANCM (FA complementation group M; plus strand), LOC130055524 (ATAC-STARR-seq lymphoblastoid active region 8299; plus strand). Cytogenetic location: 14q21.2.
Variant type: single nucleotide variant.
Coding change: c.77G>A on transcript NM_020937.4 (MANE Select); coding-DNA position 77, G replaced by A.
Protein change: p.Ser26Asn; replaces serine 26 with asparagine.
Molecular consequence: missense variant.
Genome position (GRCh38, 1-based): chr14:45,136,108, G>A. VCF-style: chr14-45136108-G-A. GRCh37 (hg19) VCF-style: chr14-45605311-G-A.
Other names: c.77G>A, p.Ser26Asn (NM_001308133.2, NM_001308134.2); short protein forms S26N.
Identifiers: ClinVar variation 3572297 (VCV003572297.2).
Genomic context (GRCh38, chr14:45,136,108, plus strand): 5'-GAACGCTTTTTCAGACGTGGGGCTCAAGTATCTCCCGATCATCTGGGACTCCGGGTTGCA[G>A]CTCCGGAACTGAGCGACCTCAGAGCCCTGGCAGCTCCAAGGCGCCTTTGCCAGCAGCAGC-3'
Protein context (NP_065988.1, residues 16-36): ISRSSGTPGC[Ser26Asn]SGTERPQSPG

ClinVar aggregate classification (germline): Uncertain significance. Review status: criteria provided, multiple submitters, no conflicts (2 of 4 stars). 2 submissions from 2 submitters: Uncertain significance (2). Last evaluated 2025-12-18.

Conditions:
Inborn genetic diseases. Identifiers: MedGen C0950123, MeSH D030342.

gnomAD v4.1: 3 of 1,614,150 alleles (0.00019%); highest among the groups gnomAD compares: Admixed American, 0.0017%; no homozygotes.

Submissions (2):

Ambry Genetics
Classification: Uncertain significance for Inborn genetic diseases. Last evaluated: 2025-12-18. Review status: criteria provided, single submitter. Criteria: Ambry Variant Classification Scheme 2023. Collection method: clinical testing. Allele origin: germline.
Comment: The p.S26N variant (also known as c.77G>A), located in coding exon 1 of the FANCM gene, results from a G to A substitution at nucleotide position 77. The serine at codon 26 is replaced by asparagine, an amino acid with highly similar properties. This amino acid position is conserved. In addition, this alteration is predicted to be tolerated by in silico analysis. Based on the available evidence, the clinical significance of this variant remains unclear.

Quest Diagnostics Nichols Institute San Juan Capistrano
Classification: Uncertain significance. Last evaluated: 2024-07-05. Review status: criteria provided, single submitter. Criteria: Quest Diagnostics criteria. Collection method: clinical testing. Allele origin: unknown.
Comment: The FANCM c.77G>A (p.Ser26Asn) variant has not been reported in individuals with FANCM-related conditions in the published literature. The frequency of this variant in the general population, 0.000008 (2/250718 chromosomes (Genome Aggregation Database)), is uninformative in the assessment of its pathogenicity. Analysis of this variant using bioinformatics tools for the prediction of the effect of amino acid changes on protein structure and function yielded predictions that this variant is benign. Based on the available information, we are unable to determine the clinical significance of this variant.